The following is an entry in ClinVar:

ClinVar aggregate classification (germline): Likely pathogenic. Review status: criteria provided, multiple submitters, no conflicts (2 of 4 stars). 3 submissions from 3 submitters: Likely pathogenic (2). 1 of the submissions does not count toward it. Last evaluated 2024-03-11.

Conditions:
Ehlers-Danlos syndrome, type 4 (EDSVASC). Also called: Ehlers-Danlos syndrome vascular type; Ehlers Danlos syndrome, ecchymotic type; Ehlers Danlos syndrome, arterial type; Ehlers Danlos syndrome, Sack-Barabas type; Ehlers-Danlos Syndrome Type IV. Identifiers: Orphanet 286, MedGen C0268338, MONDO:0017314, OMIM 130050.

Submissions (3):

GeneDx
Classification: Likely pathogenic. Last evaluated: 2024-03-11. Review status: criteria provided, single submitter. Criteria: GeneDx Variant Classification Process June 2021. Collection method: clinical testing. Allele origin: germline. Affected: yes.
Comment: Occurs in the triple helical domain and replaces the glycine in the canonical Gly-X-Y repeat; missense substitution of a canonical glycine residue is expected to disrupt normal protein folding and function, and this is an established mechanism of disease (HGMD); Not observed at significant frequency in large population cohorts (gnomAD); In silico analysis supports that this missense variant has a deleterious effect on protein structure/function; This variant is associated with the following publications: (PMID: 9036918, 10706896, 24922459, 30474650)

Labcorp Genetics (formerly Invitae), Labcorp
Classification: Likely pathogenic for Ehlers-Danlos syndrome, type 4. Last evaluated: 2019-10-18. Review status: criteria provided, single submitter. Criteria: Invitae Variant Classification Sherloc (09022015). Collection method: clinical testing. Allele origin: germline.
Comment: In summary, the currently available evidence indicates that the variant is pathogenic, but additional data are needed to prove that conclusively. Therefore, this variant has been classified as Likely Pathogenic. This sequence change replaces glycine with glutamic acid at codon 1161 of the COL3A1 protein (p.Gly1161Glu). The glycine residue is highly conserved and there is a moderate physicochemical difference between glycine and glutamic acid. This variant is not present in population databases (ExAC no frequency). This variant has been observed in individuals with clinical features of Ehlers-Danlos syndrome (PMID: 24922459, Invitae). ClinVar contains an entry for this variant (Variation ID: 101487). This variant disrupts the p.Glu1161 amino acid residue in COL3A1. Other variant(s) that disrupt this residue have been observed in individuals with COL3A1-related conditions (PMID: 10706896), which suggests that this may be a clinically significant amino acid residue. Glycine residues within the Gly-Xaa-Yaa repeats of the triple helix domain are required for the structure and stability of fibrillar collagens (PMID: 7695699, 8218237, 19344236). In COL3A1, variants that affect these glycine residues are significantly enriched in individuals with disease (PMID: 24922459, 25758994) compared to the general population (ExAC).

Collagen Diagnostic Laboratory, University of Washington
Classification: Pathogenic for Ehlers-Danlos syndrome, type 4. Review status: no assertion criteria provided. Collection method: clinical testing. Allele origin: germline. Affected: yes. Not counted in ClinVar's aggregate classification.

Literature cited by the submitters: PubMed 24922459 (cited by Labcorp Genetics (formerly Invitae), Labcorp); PubMed 10706896 (cited by Labcorp Genetics (formerly Invitae), Labcorp); PubMed 7695699 (cited by Labcorp Genetics (formerly Invitae), Labcorp); PubMed 8218237 (cited by Labcorp Genetics (formerly Invitae), Labcorp); PubMed 19344236 (cited by Labcorp Genetics (formerly Invitae), Labcorp); PubMed 25758994 (cited by Labcorp Genetics (formerly Invitae), Labcorp).

NM_000090.4(COL3A1):c.3482G>A (p.Gly1161Glu)

Gene: COL3A1 (collagen type III alpha 1 chain; plus strand). Cytogenetic location: 2q32.2.
Variant type: single nucleotide variant.
Coding change: c.3482G>A on transcript NM_000090.4 (MANE Select); coding-DNA position 3482, G replaced by A.
Protein change: p.Gly1161Glu; replaces glycine 1161 with glutamic acid.
Molecular consequence: missense variant.
Genome position (GRCh38, 1-based): chr2:189,008,099, G>A. VCF-style: chr2-189008099-G-A. GRCh37 (hg19) VCF-style: chr2-189872825-G-A.
Identifiers: ClinVar variation 101487 (VCV000101487.13), dbSNP rs587779473, ClinGen allele CA006440.
Genomic context (GRCh38, chr2:189,008,099, plus strand): 5'-CTGTTGGACCCAGTGGACCTCCTGGCAAAGATGGAACCAGTGGACATCCAGGTCCCATTG[G>A]ACCACCAGGGCCTCGAGGTAACAGAGGTGAAAGAGGATCTGAGGTAAGACATCACTTATA-3'
Protein context (NP_000081.2, residues 1151-1171): DGTSGHPGPI[Gly1161Glu]PPGPRGNRGE